The following is an entry in ClinVar:

ClinVar aggregate classification (germline): Uncertain significance (1 of 4 stars; one submission).

Allele frequency attached by ClinVar (database versions not stated): ExAC 0.00001; gnomAD 0.00001; gnomAD exomes 0.00002.
gnomAD v4.1: 28 of 1,612,010 alleles (0.0017%); highest among the groups gnomAD compares: Middle Eastern, 0.016%; no homozygotes.

Submission:

Labcorp Genetics (formerly Invitae), Labcorp
Classification: Uncertain significance. Last evaluated: 2023-06-03. Review status: criteria provided, single submitter. Criteria: Invitae Variant Classification Sherloc (09022015). Collection method: clinical testing. Allele origin: germline.
Comment: This sequence change replaces threonine, which is neutral and polar, with methionine, which is neutral and non-polar, at codon 210 of the POLR3F protein (p.Thr210Met). This variant is present in population databases (rs780275934, gnomAD 0.002%). This variant has not been reported in the literature in individuals affected with POLR3F-related conditions. ClinVar contains an entry for this variant (Variation ID: 2421884). Experimental studies and prediction algorithms are not available or were not evaluated, and the functional significance of this variant is currently unknown. In summary, the available evidence is currently insufficient to determine the role of this variant in disease. Therefore, it has been classified as a Variant of Uncertain Significance.

NM_006466.4(POLR3F):c.752C>T (p.Thr251Met)

Gene: POLR3F (RNA polymerase III subunit F; plus strand). Cytogenetic location: 20p11.23.
Variant type: single nucleotide variant.
Coding change: c.752C>T on transcript NM_006466.4 (MANE Select); coding-DNA position 752, C replaced by T.
Protein change: p.Thr251Met; replaces threonine 251 with methionine.
Molecular consequence: missense variant. On other transcripts: non-coding transcript variant (1).
Genome position (GRCh38, 1-based): chr20:18,481,689, C>T. VCF-style: chr20-18481689-C-T. GRCh37 (hg19) VCF-style: chr20-18462333-C-T.
Other names: c.629C>T, p.Thr210Met (NM_001282526.2); c.608C>T, p.Thr203Met (NM_001410821.1); short protein forms T203M, T210M, T251M.
Identifiers: ClinVar variation 2421884 (VCV002421884.6), dbSNP rs780275934, ClinGen allele CA9777601.